The following is an entry in ClinVar:

ClinVar aggregate classification (germline): Conflicting classifications of pathogenicity. Review status: criteria provided, conflicting classifications (1 of 4 stars). 4 submissions from 4 submitters: Uncertain significance (2); Likely benign (2). Last evaluated 2026-05-15.

Conditions:
VIPAS39-related disorder. Also called: VIPAS39-related condition.
Arthrogryposis, renal dysfunction, and cholestasis 2 (ARCS2). Identifiers: Orphanet 2697, MedGen C3150672, MONDO:0013255, OMIM 613404.

Allele frequency attached by ClinVar (database versions not stated): TOPMed 0.00001; ExAC 0.00002; gnomAD 0.00002 and 0.00003; gnomAD exomes 0.00002 and 0.00003.
gnomAD v4.1: 50 of 1,614,052 alleles (0.0031%); highest among the groups gnomAD compares: Middle Eastern, 0.049%; no homozygotes.

Submissions (4):

PreventionGenetics, part of Exact Sciences
Classification: Likely benign for VIPAS39-related condition. Last evaluated: 2026-05-15. Review status: criteria provided, single submitter. Criteria: ACMG Guidelines, 2015. Collection method: clinical testing. Allele origin: germline.
Comment: This variant is classified as likely benign based on ACMG/AMP sequence variant interpretation guidelines (Richards et al. 2015 PMID: 25741868, with internal and published modifications).

Labcorp Genetics (formerly Invitae), Labcorp
Classification: Likely benign. Last evaluated: 2025-02-03. Review status: criteria provided, single submitter. Criteria: Invitae Variant Classification Sherloc (09022015). Collection method: clinical testing. Allele origin: germline.

Fulgent Genetics
Classification: Uncertain significance for Arthrogryposis, renal dysfunction, and cholestasis 2. Last evaluated: 2024-06-11. Review status: criteria provided, single submitter. Criteria: ACMG Guidelines, 2015. Collection method: clinical testing. Allele origin: germline.

Eurofins Ntd Llc (ga)
Classification: Uncertain significance. Last evaluated: 2017-03-03. Review status: criteria provided, single submitter. Criteria: EGL Classification Definitions 2015. Collection method: clinical testing. Allele origin: germline. Observed: 1 variant allele, 1 heterozygote.

NM_001193315.2(VIPAS39):c.15G>A (p.Lys5=)

Gene: VIPAS39 (VPS33B interacting protein, apical-basolateral polarity regulator, spe-39 homolog; minus strand). Cytogenetic location: 14q24.3.
Variant type: single nucleotide variant.
Coding change: c.15G>A on transcript NM_001193315.2 (MANE Select); coding-DNA position 15, G replaced by A.
Protein change: p.Lys5=; no amino-acid change (lysine 5 retained).
Molecular consequence: synonymous variant.
Genome position (GRCh38, 1-based): chr14:77,454,088, C>T on the plus strand (G>A on the coding strand, the complement: VIPAS39 is on the minus strand). VCF-style: chr14-77454088-C-T. GRCh37 (hg19) VCF-style: chr14-77920431-C-T.
Other names: c.15G>A (NM_022067.3); c.15G>A, p.Lys5= (NM_001193314.2, NM_001193316.2, NM_001193317.2 and 1 more transcripts).
Identifiers: ClinVar variation 500636 (VCV000500636.9), dbSNP rs768593671, ClinGen allele CA7288230.
Genomic context (GRCh38, chr14:77,454,088, plus strand): 5'-TTCATCGTCAAAGGTAAAAGCCTTGAACTTGGAGCTGTTCCAATACTCCTCCTCATCACC[C>T]TTTGTCCGATTCATCTACAGTGACAGGAAAACATACATTGCCCCTTTCTGGGTCTCTCCC-3'
Protein context (NP_001180244.1, residues 1-15): MNRT[Lys5=]GDEEEYWNSS